The following is an entry in ClinVar:

ClinVar aggregate classification (germline): Uncertain significance. Review status: criteria provided, multiple submitters, no conflicts (2 of 4 stars). 2 submissions from 2 submitters: Uncertain significance (2). Last evaluated 2022-05-04.

Conditions:
Exostoses, multiple, type 2 (EXT2). Also called: EXOSTOSES, MULTIPLE, TYPE II; Hereditary Multiple Osteochondromatosis, Type II. Identifiers: Orphanet 321, MedGen C1851413, MONDO:0007586, OMIM 133701.

gnomAD v4.1: 24 of 1,614,122 alleles (0.0015%); highest among the groups gnomAD compares: Non-Finnish European, 0.002%; no homozygotes.

Submissions (2):

Labcorp Genetics (formerly Invitae), Labcorp
Classification: Uncertain significance for Exostoses, multiple, type 2. Last evaluated: 2022-05-04. Review status: criteria provided, single submitter. Criteria: Invitae Variant Classification Sherloc (09022015). Collection method: clinical testing. Allele origin: germline.
Comment: In summary, the available evidence is currently insufficient to determine the role of this variant in disease. Therefore, it has been classified as a Variant of Uncertain Significance. Algorithms developed to predict the effect of missense changes on protein structure and function (SIFT, PolyPhen-2, Align-GVGD) all suggest that this variant is likely to be tolerated. ClinVar contains an entry for this variant (Variation ID: 1033292). This variant has not been reported in the literature in individuals affected with EXT2-related conditions. This variant is not present in population databases (gnomAD no frequency). This sequence change replaces alanine, which is neutral and non-polar, with glycine, which is neutral and non-polar, at codon 409 of the EXT2 protein (p.Ala409Gly).

Baylor Genetics
Classification: Uncertain significance for Exostoses, multiple, type 2. Last evaluated: 2018-11-27. Review status: criteria provided, single submitter. Criteria: ACMG Guidelines, 2015. Collection method: clinical testing. Allele origin: maternal. Affected: yes.
Comment: This variant was determined to be of uncertain significance according to ACMG Guidelines, 2015 [PMID:25741868].

NM_207122.2(EXT2):c.1226C>G (p.Ala409Gly)

Gene: EXT2 (exostosin glycosyltransferase 2; plus strand). Cytogenetic location: 11p11.2.
Variant type: single nucleotide variant.
Coding change: c.1226C>G on transcript NM_207122.2 (MANE Select); coding-DNA position 1226, C replaced by G.
Protein change: p.Ala409Gly; replaces alanine 409 with glycine.
Molecular consequence: missense variant. On other transcripts: intron variant (1).
Genome position (GRCh38, 1-based): chr11:44,171,663, C>G. VCF-style: chr11-44171663-C-G. GRCh37 (hg19) VCF-style: chr11-44193213-C-G.
Other names: c.1325C>G, p.Ala442Gly (NM_000401.3); c.1267-11C>G (NM_001178083.3); short protein forms A442G, A409G.
Identifiers: ClinVar variation 1033292 (VCV001033292.6), dbSNP rs1279920600, ClinGen allele CA380175347.
Genomic context (GRCh38, chr11:44,171,663, plus strand): 5'-CTTTATAGGCCCGGTGGTTCTGGGAAGCGTACTTCCAGTCAATTAAAGCCATTGCCCTGG[C>G]CACCCTGCAGATTATCAATGACCGGATCTATCCATATGCTGCCATCTCCTATGAAGAATG-3'
Protein context (NP_997005.1, residues 399-419): YFQSIKAIAL[Ala409Gly]TLQIINDRIY